The following is an entry in ClinVar:

ClinVar aggregate classification (germline): Uncertain significance (1 of 4 stars; one submission).

Conditions:
Fanconi anemia (FA). Also called: Fanconi's anemia. Identifiers: Orphanet 84, MedGen C0015625, MeSH D005199, MONDO:0019391.

Submission:

Labcorp Genetics (formerly Invitae), Labcorp
Classification: Uncertain significance for Fanconi anemia. Last evaluated: 2022-10-13. Review status: criteria provided, single submitter. Criteria: Invitae Variant Classification Sherloc (09022015). Collection method: clinical testing. Allele origin: germline.
Comment: A copy number gain of the genomic region encompassing the full coding sequence of the FANCF gene has been identified. The boundaries of this event are unknown as they extend beyond the assayed region for this gene and therefore may encompass additional genes. As the precise location of this event is unknown, it may be in tandem or it may be located elsewhere in the genome. This variant has not been reported in the literature in individuals affected with FANCF-related conditions. In summary, the available evidence is currently insufficient to determine the role of this variant in disease. Therefore, it has been classified as a Variant of Uncertain Significance.

NC_000011.9:g.(?_22646232)_(22647356_?)dup

Gene: FANCF (FA complementation group F; minus strand). Cytogenetic location: 11p14.3.
Variant type: Duplication.
Identifiers: ClinVar variation 2426769 (VCV002426769.3).